The following is an entry in ClinVar:

NM_000238.4(KCNH2):c.554C>G (p.Ala185Gly)

Gene: KCNH2 (potassium voltage-gated channel subfamily H member 2; minus strand). Cytogenetic location: 7q36.1.
Variant type: single nucleotide variant.
Coding change: c.554C>G on transcript NM_000238.4 (MANE Select); coding-DNA position 554, C replaced by G.
Protein change: p.Ala185Gly; replaces alanine 185 with glycine.
Molecular consequence: missense variant. On other transcripts: non-coding transcript variant (1).
Genome position (GRCh38, 1-based): chr7:150,958,421, G>C on the plus strand (C>G on the coding strand, the complement: KCNH2 is on the minus strand). VCF-style: chr7-150958421-G-C. GRCh37 (hg19) VCF-style: chr7-150655509-G-C.
Other names: c.266C>G, p.Ala89Gly (NM_001406753.1, NM_001406756.1); c.377C>G, p.Ala126Gly (NM_001406755.1); c.254C>G, p.Ala85Gly (NM_001406757.1); c.554C>G, p.Ala185Gly (NM_172056.3); short protein forms A126G, A89G, A185G, A85G.
Identifiers: ClinVar variation 4825160 (VCV004825160.1).

ClinVar aggregate classification (germline): Uncertain significance (1 of 4 stars; one submission).

Conditions:
Cardiovascular phenotype. Identifiers: MedGen CN230736.

Submission:

Ambry Genetics
Classification: Uncertain significance for Cardiovascular phenotype. Last evaluated: 2026-02-19. Review status: criteria provided, single submitter. Criteria: Ambry Variant Classification Scheme 2023. Collection method: clinical testing. Allele origin: germline.
Comment: The p.A185G variant (also known as c.554C>G), located in coding exon 4 of the KCNH2 gene, results from a C to G substitution at nucleotide position 554. The alanine at codon 185 is replaced by glycine, an amino acid with similar properties. This amino acid position is conserved. In addition, the in silico prediction for this alteration is inconclusive. Based on the available evidence, the clinical significance of this variant remains unclear.